The following is an entry in ClinVar:

NM_000492.4(CFTR):c.3486_3487del (p.Val1163fs)

Genes: CFTR-AS2 (CFTR antisense RNA 2; minus strand), CFTR (CF transmembrane conductance regulator; plus strand). Cytogenetic location: 7q31.2.
Variant type: Deletion.
Coding change: c.3486_3487del on transcript NM_000492.4 (MANE Select); coding-DNA positions 3486 to 3487, 2 bases deleted (AG; older notation c.3486_3487delAG).
Protein change: p.Val1163fs; shifts the reading frame from valine 1163.
Molecular consequence: frameshift variant.
Genome position (GRCh38, 1-based): chr7:117,627,539-117,627,540, AG deleted; deleting any 2 consecutive bases within chr7:117,627,538-117,627,540 gives the same sequence; the c. name uses the placement nearest the transcript's 3' end. VCF-style (leftmost placement, unchanged base first): chr7-117627537-CGA-C. GRCh37 (hg19) VCF-style: chr7-117267591-CGA-C.
Other names: c.3485_3486delGA (NM_000492.3); short protein forms V1163fs.
Identifiers: ClinVar variation 53759 (VCV000053759.7), dbSNP rs397508575, ClinGen allele CA327214.

ClinVar aggregate classification (germline): Pathogenic. Review status: criteria provided, multiple submitters, no conflicts (2 of 4 stars). 5 submissions from 5 submitters: Pathogenic (4). 1 of the submissions does not count toward it. Last evaluated 2024-06-27.

Conditions:
CFTR-related disorder (CFTR-RD). Also called: CFTR-related disorders; CFTR-related condition. Identifiers: MedGen C5924204, MONDO:7770004.
Cystic fibrosis (CF). Also called: MUCOVISCIDOSIS. Identifiers: Orphanet 586, MedGen C0010674, MONDO:0009061, OMIM 219700. Disease mechanism: loss of function.

Submissions (5):

Natera, Inc.
Classification: Pathogenic for CFTR-related disorders. Last evaluated: 2024-06-27. Review status: criteria provided, single submitter. Criteria: Natera Variant Classification Schema (03/2026). Collection method: clinical testing. Allele origin: germline.
Comment: The c.3486_3487delAG variant in CFTR is a frameshift variant predicted to shift the reading frame beginning at codon 1163 and leads to a stop codon 2 codons downstream. This variant is expected to result in nonsense mediated decay, truncation, or a dysfunctional protein product. This variant is rare in the general population with a frequency below the threshold expected for the associated phenotype(s). This variant has been observed in one or more individuals affected with the associated recessive disease, as either homozygous or compound heterozygous with a second variant (PMID: 30996306). Given the available evidence, this variant is classified as Pathogenic.

Labcorp Genetics (formerly Invitae), Labcorp
Classification: Pathogenic for Cystic fibrosis. Last evaluated: 2022-12-18. Review status: criteria provided, single submitter. Criteria: Invitae Variant Classification Sherloc (09022015). Collection method: clinical testing. Allele origin: germline.
Comment: This sequence change creates a premature translational stop signal (p.Val1163Leufs*2) in the CFTR gene. It is expected to result in an absent or disrupted protein product. Loss-of-function variants in CFTR are known to be pathogenic (PMID: 1695717, 7691345, 9725922). For these reasons, this variant has been classified as Pathogenic. ClinVar contains an entry for this variant (Variation ID: 53759). This variant is also known as 3617delGA. This premature translational stop signal has been observed in individual(s) with cystic fibrosis (PMID: 10794365). This variant is not present in population databases (gnomAD no frequency).

Women's Health and Genetics/Laboratory Corporation of America, LabCorp
Classification: Pathogenic for Cystic fibrosis. Last evaluated: 2022-06-06. Review status: criteria provided, single submitter. Criteria: LabCorp Variant Classification Summary - May 2015. Collection method: clinical testing. Allele origin: germline.
Comment: Variant summary: CFTR c.3486_3487delAG (p.Val1163LeufsX2) results in a premature termination codon, predicted to cause a truncation of the encoded protein or absence of the protein due to nonsense mediated decay, which are commonly known mechanisms for disease. Truncations downstream of this position have been classified as pathogenic by our laboratory. The variant was absent in 250612 control chromosomes. c.3486_3487delAG has been reported in the literature in individuals affected with Cystic Fibrosis (example Bernardino_2000, Dorfman_2008, Pereira_2019). These data indicate that the variant is likely associated with disease. One clinical diagnostic laboratory has submitted clinical-significance assessments for this variant to ClinVar after 2014 without evidence for independent evaluation and classified the variant as pathogenic. Based on the evidence outlined above, the variant was classified as pathogenic.

Mendelics
Classification: Pathogenic for Cystic fibrosis. Last evaluated: 2018-11-05. Review status: criteria provided, single submitter. Criteria: Mendelics Assertion Criteria 2017. Collection method: clinical testing. Allele origin: unknown. Affected: yes.

ClinVar Staff, National Center for Biotechnology Information (NCBI)
No classification provided. Condition: CFTR-related disorders. Review status: no classification provided. Collection method: literature only. Allele origin: germline. Affected: yes. Not counted in ClinVar's aggregate classification.

Literature cited by the submitters: PubMed 30996306 (cited by Natera, Inc. and Women's Health and Genetics/Laboratory Corporation of America, LabCorp); PubMed 1695717 (cited by Labcorp Genetics (formerly Invitae), Labcorp); PubMed 7691345 (cited by Labcorp Genetics (formerly Invitae), Labcorp); PubMed 9725922 (cited by Labcorp Genetics (formerly Invitae), Labcorp); PubMed 10794365 (cited by Labcorp Genetics (formerly Invitae), Labcorp and Women's Health and Genetics/Laboratory Corporation of America, LabCorp); PubMed 18292811 (cited by Women's Health and Genetics/Laboratory Corporation of America, LabCorp); PubMed 20059485 (cited by ClinVar Staff, National Center for Biotechnology Information (NCBI)).